The following is an entry in ClinVar:

NM_002471.4(MYH6):c.1876G>A (p.Ala626Thr)

Gene: MYH6 (myosin heavy chain 6; minus strand). Cytogenetic location: 14q11.2.
Variant type: single nucleotide variant.
Coding change: c.1876G>A on transcript NM_002471.4 (MANE Select); coding-DNA position 1876, G replaced by A.
Protein change: p.Ala626Thr; replaces alanine 626 with threonine.
Molecular consequence: missense variant.
Genome position (GRCh38, 1-based): chr14:23,398,743, C>T on the plus strand (G>A on the coding strand, the complement: MYH6 is on the minus strand). VCF-style: chr14-23398743-C-T. GRCh37 (hg19) VCF-style: chr14-23867952-C-T.
Other names: short protein forms A626T.
Identifiers: ClinVar variation 2415985 (VCV002415985.7), dbSNP rs760108411, ClinGen allele CA7115690.

ClinVar aggregate classification (germline): Uncertain significance. Review status: criteria provided, multiple submitters, no conflicts (2 of 4 stars). 2 submissions from 2 submitters: Uncertain significance (2). Last evaluated 2025-05-05.

Conditions:
Cardiovascular phenotype. Identifiers: MedGen CN230736.
Hypertrophic cardiomyopathy 14. Identifiers: MedGen C2750467, MONDO:0013197, OMIM 613251.

Allele frequency attached by ClinVar (database versions not stated): TOPMed below 0.00001; ExAC 0.00001; gnomAD 0.00001.
gnomAD v4.1: 11 of 1,614,020 alleles (0.00068%); highest among the groups gnomAD compares: Admixed American, 0.005%; no homozygotes.

Submissions (2):

Ambry Genetics
Classification: Uncertain significance for Cardiovascular phenotype. Last evaluated: 2025-05-05. Review status: criteria provided, single submitter. Criteria: Ambry Variant Classification Scheme 2023. Collection method: clinical testing. Allele origin: germline.
Comment: The p.A626T variant (also known as c.1876G>A), located in coding exon 13 of the MYH6 gene, results from a G to A substitution at nucleotide position 1876. The alanine at codon 626 is replaced by threonine, an amino acid with similar properties. This amino acid position is well conserved in available vertebrate species. In addition, this alteration is predicted to be tolerated by in silico analysis. Based on the available evidence, the clinical significance of this variant remains unclear.

Labcorp Genetics (formerly Invitae), Labcorp
Classification: Uncertain significance for Hypertrophic cardiomyopathy 14. Last evaluated: 2021-12-12. Review status: criteria provided, single submitter. Criteria: Invitae Variant Classification Sherloc (09022015). Collection method: clinical testing. Allele origin: germline.
Comment: In summary, the available evidence is currently insufficient to determine the role of this variant in disease. Therefore, it has been classified as a Variant of Uncertain Significance. Algorithms developed to predict the effect of missense changes on protein structure and function output the following: SIFT: "Deleterious"; PolyPhen-2: "Benign"; Align-GVGD: "Class C0". The threonine amino acid residue is found in multiple mammalian species, which suggests that this missense change does not adversely affect protein function. This variant has not been reported in the literature in individuals affected with MYH6-related conditions. This variant is present in population databases (rs760108411, gnomAD 0.003%). This sequence change replaces alanine, which is neutral and non-polar, with threonine, which is neutral and polar, at codon 626 of the MYH6 protein (p.Ala626Thr).